The following is an entry in ClinVar:

NM_005862.3(STAG1):c.2280G>C (p.Glu760Asp)

Gene: STAG1 (STAG1 cohesin complex component; minus strand). Cytogenetic location: 3q22.3.
Variant type: single nucleotide variant.
Coding change: c.2280G>C on transcript NM_005862.3 (MANE Select); coding-DNA position 2280, G replaced by C.
Protein change: p.Glu760Asp; replaces glutamic acid 760 with aspartic acid.
Molecular consequence: missense variant.
Genome position (GRCh38, 1-based): chr3:136,377,750, C>G on the plus strand (G>C on the coding strand, the complement: STAG1 is on the minus strand). VCF-style: chr3-136377750-C-G. GRCh37 (hg19) VCF-style: chr3-136096592-C-G.
Other names: short protein forms E760D.
Identifiers: ClinVar variation 2149144 (VCV002149144.10), dbSNP rs200328601, ClinGen allele CA2632617.

ClinVar aggregate classification (germline): Benign/Likely benign. Review status: criteria provided, multiple submitters, no conflicts (2 of 4 stars). 3 submissions from 3 submitters: Benign (1); Likely benign (2). Last evaluated 2025-12-01.

Conditions:
Intellectual developmental disorder, autosomal dominant 47. Also called: Intellectual disability, autosomal dominant 47; MENTAL RETARDATION, AUTOSOMAL DOMINANT 47. Identifiers: Orphanet 502434, MedGen C4539951, MONDO:0030912, OMIM 617635.

Allele frequency attached by ClinVar (database versions not stated): ESP Exome Variant Server 0.00008; TOPMed 0.00016.
gnomAD v4.1: 209 of 1,613,602 alleles (0.013%); highest among the groups gnomAD compares: Middle Eastern, 0.016%; no homozygotes.

Submissions (3):

CeGaT Center for Human Genetics Tuebingen
Classification: Likely benign. Last evaluated: 2025-12-01. Review status: criteria provided, single submitter. Criteria: CeGaT Center For Human Genetics Tuebingen Variant Classification Criteria Version 2. Collection method: clinical testing. Allele origin: germline. Affected: yes. Observed: 1 variant allele.
Comment: STAG1: BS2

Labcorp Genetics (formerly Invitae), Labcorp
Classification: Benign. Last evaluated: 2025-05-09. Review status: criteria provided, single submitter. Criteria: Invitae Variant Classification Sherloc (09022015). Collection method: clinical testing. Allele origin: germline.

Department of Pathology and Laboratory Medicine, Sinai Health System
Classification: Likely benign for Intellectual developmental disorder, autosomal dominant 47. Last evaluated: 2020-08-19. Review status: criteria provided, single submitter. Criteria: ACMG Guidelines, 2015. Collection method: research. Allele origin: germline.